The following is an entry in ClinVar:

ClinVar aggregate classification (germline): Uncertain significance. Review status: criteria provided, multiple submitters, no conflicts (2 of 4 stars). 2 submissions from 2 submitters: Uncertain significance (2). Last evaluated 2026-01-24.

Conditions:
CHRNE-related disorder. Also called: CHRNE-related condition.
Congenital myasthenic syndrome 4A. Also called: Myasthenic syndrome, congenital, 4a, slow-channel; MYASTHENIC SYNDROME, CONGENITAL, 4A, SLOW-CHANNEL, AUTOSOMAL RECESSIVE; CONGENITAL MYASTHENIC SYNDROME TYPE Ia1. Identifiers: Orphanet 590, MedGen C4225413, MONDO:0011600, OMIM 605809.

gnomAD v4.1: 1 of 1,588,006 alleles (0.000063%); no homozygotes.

Submissions (2):

PreventionGenetics, part of Exact Sciences
Classification: Uncertain significance for CHRNE-related condition. Last evaluated: 2026-01-24. Review status: criteria provided, single submitter. Criteria: ACMG Guidelines, 2015. Collection method: clinical testing. Allele origin: germline.
Comment: The CHRNE c.1032C>A variant is predicted to result in the amino acid substitution p.His344Gln. To our knowledge, this variant has not been reported in the literature or in a large population database (gnomAD), indicating this variant is rare. At this time, the clinical significance of this variant is uncertain due to the absence of conclusive functional and genetic evidence.

Labcorp Genetics (formerly Invitae), Labcorp
Classification: Uncertain significance for Congenital myasthenic syndrome 4A. Last evaluated: 2021-11-23. Review status: criteria provided, single submitter. Criteria: Invitae Variant Classification Sherloc (09022015). Collection method: clinical testing. Allele origin: germline.
Comment: This sequence change replaces histidine, which is basic and polar, with glutamine, which is neutral and polar, at codon 344 of the CHRNE protein (p.His344Gln). This variant is not present in population databases (gnomAD no frequency). This variant has not been reported in the literature in individuals affected with CHRNE-related conditions. Algorithms developed to predict the effect of missense changes on protein structure and function output the following: SIFT: "Tolerated"; PolyPhen-2: "Benign"; Align-GVGD: "Class C0". The glutamine amino acid residue is found in multiple mammalian species, which suggests that this missense change does not adversely affect protein function. In summary, the available evidence is currently insufficient to determine the role of this variant in disease. Therefore, it has been classified as a Variant of Uncertain Significance.

NM_000080.4(CHRNE):c.1032C>A (p.His344Gln)

Gene: CHRNE (cholinergic receptor nicotinic epsilon subunit; minus strand). Cytogenetic location: 17p13.2.
Variant type: single nucleotide variant.
Coding change: c.1032C>A on transcript NM_000080.4 (MANE Select); coding-DNA position 1032, C replaced by A.
Protein change: p.His344Gln; replaces histidine 344 with glutamine.
Molecular consequence: missense variant.
Genome position (GRCh38, 1-based): chr17:4,899,468, G>T on the plus strand (C>A on the coding strand, the complement: CHRNE is on the minus strand). VCF-style: chr17-4899468-G-T. GRCh37 (hg19) VCF-style: chr17-4802763-G-T.
Other names: c.1032C>A (NM_000080.3); short protein forms H344Q.
Identifiers: ClinVar variation 1466200 (VCV001466200.4), dbSNP rs144047383, ClinGen allele CA397300767.